The following is an entry in ClinVar:

ClinVar aggregate classification (germline): Uncertain significance. Review status: criteria provided, multiple submitters, no conflicts (2 of 4 stars). 3 submissions from 3 submitters: Uncertain significance (3). Last evaluated 2024-09-23.

Conditions:
Familial thoracic aortic aneurysm and aortic dissection (TAAD). Also called: Thoracic aortic aneurysms and dissections. Identifiers: Orphanet 91387, MedGen C4707243, MONDO:0019625.
Aortic aneurysm, familial thoracic 4 (AAT4). Also called: AORTIC ANEURYSM/AORTIC DISSECTION AND PATENT DUCTUS ARTERIOSUS. Identifiers: MedGen C1851504, MONDO:0007568, OMIM 132900.

Allele frequency attached by ClinVar (database versions not stated): gnomAD exomes 0.00001; ExAC 0.00002.

Submissions (3):

All of Us Research Program, National Institutes of Health
Classification: Uncertain significance for Familial thoracic aortic aneurysm and aortic dissection. Last evaluated: 2024-09-23. Review status: criteria provided, single submitter. Criteria: ACMG Guidelines, 2015. Collection method: clinical testing. Allele origin: germline. Inheritance: Autosomal dominant inheritance. Observed: 2 variant alleles, 2 heterozygotes.
Comment: This missense variant replaces arginine with cysteine at codon 937 of the MYH11 protein. Computational prediction suggests that this variant may have deleterious impact on protein structure and function (internally defined REVEL score threshold >= 0.7, PMID: 27666373). To our knowledge, functional studies have not been reported for this variant. This variant has not been reported in individuals affected with cardiovascular disorders in the literature. This variant has been identified in 2/248670 chromosomes in the general population by the Genome Aggregation Database (gnomAD). The available evidence is insufficient to determine the role of this variant in disease conclusively. Therefore, this variant is classified as a Variant of Uncertain Significance.

This study involves interpretation of variants in research participants for the purpose of population health screening. Participant phenotype was not available at the time of variant classification. Additional details can be found in publication PMID: 35346344, PMCID: PMC8962531

Labcorp Genetics (formerly Invitae), Labcorp
Classification: Uncertain significance for Aortic aneurysm, familial thoracic 4. Last evaluated: 2023-03-07. Review status: criteria provided, single submitter. Criteria: Invitae Variant Classification Sherloc (09022015). Collection method: clinical testing. Allele origin: germline.
Comment: This variant has not been reported in the literature in individuals affected with MYH11-related conditions. This sequence change replaces arginine, which is basic and polar, with cysteine, which is neutral and slightly polar, at codon 937 of the MYH11 protein (p.Arg937Cys). The frequency data for this variant in the population databases is considered unreliable, as metrics indicate poor data quality at this position in the gnomAD database. ClinVar contains an entry for this variant (Variation ID: 920172). Advanced modeling of protein sequence and biophysical properties (such as structural, functional, and spatial information, amino acid conservation, physicochemical variation, residue mobility, and thermodynamic stability) performed at Invitae indicates that this missense variant is not expected to disrupt MYH11 protein function. In summary, the available evidence is currently insufficient to determine the role of this variant in disease. Therefore, it has been classified as a Variant of Uncertain Significance.

Color Diagnostics, LLC DBA Color Health
Classification: Uncertain significance for Familial thoracic aortic aneurysm and aortic dissection. Last evaluated: 2020-08-18. Review status: criteria provided, single submitter. Criteria: ACMG Guidelines, 2015. Collection method: clinical testing. Allele origin: germline.
Comment: This missense variant replaces arginine with cysteine at codon 937 of the MYH11 protein. Computational prediction suggests that this variant may have deleterious impact on protein structure and function (internally defined REVEL score threshold >= 0.7, PMID: 27666373). To our knowledge, functional studies have not been reported for this variant. This variant has not been reported in individuals affected with cardiovascular disorders in the literature. This variant has been identified in 2/248670 chromosomes in the general population by the Genome Aggregation Database (gnomAD). The available evidence is insufficient to determine the role of this variant in disease conclusively. Therefore, this variant is classified as a Variant of Uncertain Significance.

NM_002474.3(MYH11):c.2788C>T (p.Arg930Cys)

Gene: MYH11 (myosin heavy chain 11; minus strand). Cytogenetic location: 16p13.11.
Variant type: single nucleotide variant.
Coding change: c.2788C>T on transcript NM_002474.3 (MANE Select); coding-DNA position 2788, C replaced by T.
Protein change: p.Arg930Cys; replaces arginine 930 with cysteine.
Molecular consequence: missense variant.
Genome position (GRCh38, 1-based): chr16:15,741,534, G>A on the plus strand (C>T on the coding strand, the complement: MYH11 is on the minus strand). VCF-style: chr16-15741534-G-A. GRCh37 (hg19) VCF-style: chr16-15835391-G-A.
Other names: c.2809C>T, p.Arg937Cys (NM_001040113.2, NM_001040114.2); c.2788C>T, p.Arg930Cys (NM_022844.3); short protein forms R937C, R930C.
Identifiers: ClinVar variation 920172 (VCV000920172.7), dbSNP rs755324860, ClinGen allele CA7922172.